The following is an entry in ClinVar:

ClinVar aggregate classification (germline): Uncertain significance (1 of 4 stars; one submission).

Submission:

Labcorp Genetics (formerly Invitae), Labcorp
Classification: Uncertain significance. Last evaluated: 2022-01-12. Review status: criteria provided, single submitter. Criteria: Invitae Variant Classification Sherloc (09022015). Collection method: clinical testing. Allele origin: germline.
Comment: In summary, the available evidence is currently insufficient to determine the role of this variant in disease. Therefore, it has been classified as a Variant of Uncertain Significance. Algorithms developed to predict the effect of missense changes on protein structure and function are either unavailable or do not agree on the potential impact of this missense change (SIFT: "Deleterious"; PolyPhen-2: "Benign"; Align-GVGD: "Class C0"). This variant has not been reported in the literature in individuals affected with FRMD7-related conditions. This variant is not present in population databases (gnomAD no frequency). This sequence change replaces proline, which is neutral and non-polar, with leucine, which is neutral and non-polar, at codon 660 of the FRMD7 protein (p.Pro660Leu).

NM_194277.3(FRMD7):c.1979C>T (p.Pro660Leu)

Gene: FRMD7 (FERM domain containing 7; minus strand). Cytogenetic location: Xq26.2.
Variant type: single nucleotide variant.
Coding change: c.1979C>T on transcript NM_194277.3 (MANE Select); coding-DNA position 1979, C replaced by T.
Protein change: p.Pro660Leu; replaces proline 660 with leucine.
Molecular consequence: missense variant.
Genome position (GRCh38, 1-based): chrX:132,078,038, G>A on the plus strand (C>T on the coding strand, the complement: FRMD7 is on the minus strand). VCF-style: chrX-132078038-G-A. GRCh37 (hg19) VCF-style: chrX-131212066-G-A.
Other names: c.1934C>T, p.Pro645Leu (NM_001306193.2); short protein forms P660L, P645L.
Identifiers: ClinVar variation 2081124 (VCV002081124.4), dbSNP rs2520689964, ClinGen allele CA414677872.